The following is an entry in ClinVar:

NM_000540.3(RYR1):c.12503_12504delinsTT (p.Ser4168Ile)

Gene: RYR1 (ryanodine receptor 1; plus strand). Cytogenetic location: 19q13.2.
Variant type: Indel.
Coding change: c.12503_12504delinsTT on transcript NM_000540.3 (MANE Select); coding-DNA positions 12503 to 12504, GC replaced by TT.
Protein change: p.Ser4168Ile; replaces serine 4168 with isoleucine.
Molecular consequence: missense variant.
Genome position (GRCh38, 1-based): chr19:38,561,333-38,561,334, GC replaced by TT. VCF-style: chr19-38561333-GC-TT. GRCh37 (hg19) VCF-style: chr19-39051973-GC-TT.
Other names: c.12488_12489delinsTT, p.Ser4163Ile (NM_001042723.2); short protein forms S4168I, S4163I.
Identifiers: ClinVar variation 969730 (VCV000969730.9), dbSNP rs1973128519, ClinGen allele CA1139666436.

ClinVar aggregate classification (germline): Uncertain significance. Review status: criteria provided, multiple submitters, no conflicts (2 of 4 stars). 3 submissions from 3 submitters: Uncertain significance (3). Last evaluated 2025-07-25.

Conditions:
RYR1-related disorder. Also called: RYR1-related disorders; RYR1-related condition. Identifiers: MedGen CN239331.
Malignant hyperthermia, susceptibility to, 1 (MHS1). Also called: Anesthesia related hyperthermia; Malignant hyperpyrexia; Fulminating hyperpyrexia; Pharmacogenic myopathy; Malignant hyperthermia suceptibility 1; RYR1-Related Malignant Hyperthermia Susceptibility. Identifiers: Orphanet 423, MedGen C2930980, MONDO:0007783, OMIM 145600.

Submissions (3):

Color Diagnostics, LLC DBA Color Health
Classification: Uncertain significance for Malignant hyperthermia, susceptibility to, 1. Last evaluated: 2025-07-25. Review status: criteria provided, single submitter. Criteria: ACMG Guidelines, 2015. Collection method: clinical testing. Allele origin: germline.
Comment: This missense variant replaces serine with isoleucine at codon 4168 of the RYR1 protein. To our knowledge, functional studies have not been reported for this variant. This variant has not been reported in individuals affected with RYR1-related disorders in the literature. This variant has not been identified in the general population by the Genome Aggregation Database (gnomAD). The available evidence is insufficient to determine the role of this variant in disease conclusively. Therefore, this variant is classified as a Variant of Uncertain Significance.

GeneDx
Classification: Uncertain significance. Last evaluated: 2025-03-18. Review status: criteria provided, single submitter. Criteria: GeneDx Variant Classification Process June 2021. Collection method: clinical testing. Allele origin: germline. Affected: yes.
Comment: Not observed at significant frequency in large population cohorts (gnomAD); In silico analysis supports a deleterious effect on protein structure/function; Has not been previously published as pathogenic or benign to our knowledge

Labcorp Genetics (formerly Invitae), Labcorp
Classification: Uncertain significance for RYR1-related disorder. Last evaluated: 2021-08-26. Review status: criteria provided, single submitter. Criteria: Invitae Variant Classification Sherloc (09022015). Collection method: clinical testing. Allele origin: germline.